The following is an entry in ClinVar:

NM_031206.7(LAS1L):c.784C>T (p.His262Tyr)

Gene: LAS1L (LAS1 like ribosome biogenesis factor; minus strand). Cytogenetic location: Xq12.
Variant type: single nucleotide variant.
Coding change: c.784C>T on transcript NM_031206.7 (MANE Select); coding-DNA position 784, C replaced by T.
Protein change: p.His262Tyr; replaces histidine 262 with tyrosine.
Molecular consequence: missense variant. On other transcripts: 5 prime UTR variant (1), non-coding transcript variant (1).
Genome position (GRCh38, 1-based): chrX:65,529,609, G>A on the plus strand (C>T on the coding strand, the complement: LAS1L is on the minus strand). VCF-style: chrX-65529609-G-A. GRCh37 (hg19) VCF-style: chrX-64749489-G-A.
Other names: c.784C>T, p.His262Tyr (NM_001170649.2, NM_001375328.1, NM_001375329.1 and 8 more transcripts); c.658C>T, p.His220Tyr (NM_001170650.2); c.-13C>T (NM_001375332.1); short protein forms H220Y, H262Y.
Identifiers: ClinVar variation 3900151 (VCV003900151.1).

ClinVar aggregate classification (germline): Uncertain significance (1 of 4 stars; one submission).

Submission:

GeneDx
Classification: Uncertain significance. Last evaluated: 2024-11-23. Review status: criteria provided, single submitter. Criteria: GeneDx Variant Classification Process June 2021. Collection method: clinical testing. Allele origin: germline. Affected: yes.
Comment: Not observed at significant frequency in large population cohorts (gnomAD); In silico analysis indicates that this missense variant does not alter protein structure/function; Has not been previously published as pathogenic or benign to our knowledge